The following is an entry in ClinVar:

ClinVar aggregate classification (germline): Uncertain significance (1 of 4 stars; one submission).

gnomAD v4.1: 1 of 1,614,134 alleles (0.000062%); no homozygotes.

Submission:

Ambry Genetics
Classification: Uncertain significance. Last evaluated: 2025-10-07. Review status: criteria provided, single submitter. Criteria: Ambry Variant Classification Scheme 2023. Collection method: clinical testing. Allele origin: germline.
Comment: The p.Q969E variant (also known as c.2905C>G), located in coding exon 1 of the TET2 gene, results from a C to G substitution at nucleotide position 2905. The glutamine at codon 969 is replaced by glutamic acid, an amino acid with highly similar properties. This amino acid position is conserved. In addition, this alteration is predicted to be tolerated by in silico analysis. Based on the available evidence, the clinical significance of this variant remains unclear.

NM_001127208.3(TET2):c.2905C>G (p.Gln969Glu)

Genes: TET2 (tet methylcytosine dioxygenase 2; plus strand), TET2-AS1 (TET2 antisense RNA 1; minus strand). Cytogenetic location: 4q24.
Variant type: single nucleotide variant.
Coding change: c.2905C>G on transcript NM_001127208.3 (MANE Select); coding-DNA position 2905, C replaced by G.
Protein change: p.Gln969Glu; replaces glutamine 969 with glutamic acid.
Molecular consequence: missense variant.
Genome position (GRCh38, 1-based): chr4:105,236,847, C>G. VCF-style: chr4-105236847-C-G. GRCh37 (hg19) VCF-style: chr4-106158004-C-G.
Other names: c.2905C>G, p.Gln969Glu (NM_017628.4); short protein forms Q969E.
Identifiers: ClinVar variation 4594144 (VCV004594144.1).